The following is an entry in ClinVar:

NM_007186.6(CEP250):c.1689A>C (p.Gln563His)

Genes: CEP250 (centrosomal protein 250; plus strand), CEP250-AS1 (CEP250 antisense RNA 1; minus strand). Cytogenetic location: 20q11.22.
Variant type: single nucleotide variant.
Coding change: c.1689A>C on transcript NM_007186.6 (MANE Select); coding-DNA position 1689, A replaced by C.
Protein change: p.Gln563His; replaces glutamine 563 with histidine.
Molecular consequence: missense variant. On other transcripts: 5 prime UTR variant (1).
Genome position (GRCh38, 1-based): chr20:35,475,619, A>C. VCF-style: chr20-35475619-A-C. GRCh37 (hg19) VCF-style: chr20-34063444-A-C.
Other names: c.-211A>C (NM_001318219.1); short protein forms Q563H.
Identifiers: ClinVar variation 956621 (VCV000956621.7), dbSNP rs752059639, ClinGen allele CA9832985.

ClinVar aggregate classification (germline): Uncertain significance (1 of 4 stars; one submission).

Allele frequency attached by ClinVar (database versions not stated): ExAC 0.00001; gnomAD exomes 0.00001 and 0.00002; gnomAD 0.00003; TOPMed 0.00003.
gnomAD v4.1: 39 of 1,613,976 alleles (0.0024%); highest among the groups gnomAD compares: Admixed American, 0.0067%; no homozygotes.

Submission:

Labcorp Genetics (formerly Invitae), Labcorp
Classification: Uncertain significance. Last evaluated: 2024-11-18. Review status: criteria provided, single submitter. Criteria: Invitae Variant Classification Sherloc (09022015). Collection method: clinical testing. Allele origin: germline.
Comment: This sequence change replaces glutamine, which is neutral and polar, with histidine, which is basic and polar, at codon 563 of the CEP250 protein (p.Gln563His). This variant is present in population databases (rs752059639, gnomAD 0.006%). This variant has not been reported in the literature in individuals affected with CEP250-related conditions. ClinVar contains an entry for this variant (Variation ID: 956621). An algorithm developed to predict the effect of missense changes on protein structure and function (PolyPhen-2) suggests that this variant is likely to be disruptive. In summary, the available evidence is currently insufficient to determine the role of this variant in disease. Therefore, it has been classified as a Variant of Uncertain Significance.